The following is an entry in ClinVar:

NM_001378120.1(MBD5):c.1643G>A (p.Ser548Asn)

Gene: MBD5 (methyl-CpG binding domain protein 5; plus strand). Cytogenetic location: 2q23.1.
Variant type: single nucleotide variant.
Coding change: c.1643G>A on transcript NM_001378120.1 (MANE Select); coding-DNA position 1643, G replaced by A.
Protein change: p.Ser548Asn; replaces serine 548 with asparagine.
Molecular consequence: missense variant.
Genome position (GRCh38, 1-based): chr2:148,469,586, G>A. VCF-style: chr2-148469586-G-A. GRCh37 (hg19) VCF-style: chr2-149227155-G-A.
Other names: c.1643G>A, p.Ser548Asn (NM_001438854.1, NM_001438855.1, NM_001438856.1 and 7 more transcripts); short protein forms S548N.
Identifiers: ClinVar variation 4765057 (VCV004765057.1).

ClinVar aggregate classification (germline): Uncertain significance (1 of 4 stars; one submission).

Conditions:
Intellectual developmental disorder, autosomal dominant 1. Also called: MBD5 Haploinsufficiency; Intellectual disability, autosomal dominant 1. Identifiers: Orphanet 228402, MedGen C1969562, MONDO:0007974, OMIM 156200.

Submission:

Labcorp Genetics (formerly Invitae), Labcorp
Classification: Uncertain significance for Intellectual developmental disorder, autosomal dominant 1. Last evaluated: 2025-12-21. Review status: criteria provided, single submitter. Criteria: Invitae Variant Classification Sherloc (09022015). Collection method: clinical testing. Allele origin: germline.
Comment: This sequence change replaces serine, which is neutral and polar, with asparagine, which is neutral and polar, at codon 548 of the MBD5 protein (p.Ser548Asn). This variant is not present in population databases (gnomAD no frequency). This variant has not been reported in the literature in individuals affected with MBD5-related conditions. Invitae Evidence Modeling of protein sequence and biophysical properties (such as structural, functional, and spatial information, amino acid conservation, physicochemical variation, residue mobility, and thermodynamic stability) indicates that this missense variant is not expected to disrupt MBD5 protein function with a negative predictive value of 80%. In summary, the available evidence is currently insufficient to determine the role of this variant in disease. Therefore, it has been classified as a Variant of Uncertain Significance.